The following is an entry in ClinVar:

ClinVar aggregate classification (germline): Uncertain significance (1 of 4 stars; one submission).

Conditions:
Neuropathy, hereditary sensory and autonomic, type 2A (HSAN2A). Also called: ACROOSTEOLYSIS, GIACCAI TYPE; ACROOSTEOLYSIS, NEUROGENIC; HSAN IIA; WNK1-Related HSAN2 (HSAN2A); MORVAN DISEASE; NEUROPATHY, CONGENITAL SENSORY. Identifiers: Orphanet 970, MedGen C2752089, MONDO:0024309, OMIM 201300.

Submission:

Centre for Mendelian Genomics, University Medical Centre Ljubljana
Classification: Uncertain significance for Neuropathy, hereditary sensory and autonomic, type 2A. Last evaluated: 2020-01-30. Review status: criteria provided, single submitter. Criteria: ACMG Guidelines, 2015. Collection method: clinical testing. Allele origin: unknown. Affected: yes.
Comment: This variant was classified as: Uncertain significance. The available evidence on this variant's pathogenicity is insufficient or conflicting. The following ACMG criteria were applied in classifying this variant: PM2,PP3,BP1.

NM_001365536.1(SCN9A):c.2299C>T (p.Pro767Ser)

Genes: SCN9A (sodium voltage-gated channel alpha subunit 9; minus strand), SCN1A-AS1 (SCN1A and SCN9A antisense RNA 1; plus strand). Cytogenetic location: 2q24.3.
Variant type: single nucleotide variant.
Coding change: c.2299C>T on transcript NM_001365536.1 (MANE Select); coding-DNA position 2299, C replaced by T.
Protein change: p.Pro767Ser; replaces proline 767 with serine.
Molecular consequence: missense variant.
Genome position (GRCh38, 1-based): chr2:166,280,401, G>A on the plus strand (C>T on the coding strand, the complement: SCN9A is on the minus strand). VCF-style: chr2-166280401-G-A. GRCh37 (hg19) VCF-style: chr2-167136911-G-A.
Other names: c.2266C>T, p.Pro756Ser (NM_002977.4); short protein forms P756S, P767S.
Identifiers: ClinVar variation 931317 (VCV000931317.3), dbSNP rs199715588, ClinGen allele CA349079513.